The following is an entry in ClinVar:

ClinVar aggregate classification (germline): Uncertain significance. Review status: criteria provided, multiple submitters, no conflicts (2 of 4 stars). 2 submissions from 2 submitters: Uncertain significance (2). Last evaluated 2026-02-20.

Conditions:
Hereditary cancer-predisposing syndrome. Also called: Tumor predisposition; Neoplastic Syndromes, Hereditary; Hereditary Cancer Syndrome; Hereditary neoplastic syndrome. Identifiers: Orphanet 140162, MedGen C0027672, MeSH D009386, MONDO:0015356.
Retinoblastoma (RB1). Also called: RETINOBLASTOMA, SOMATIC. Identifiers: Orphanet 790, MedGen C0035335, MeSH D012175, MONDO:0008380, OMIM 180200, HP:0009919. Disease mechanism: loss of function. Inheritance: Both sporadic and heritable forms are tested..

Submissions (2):

Ambry Genetics
Classification: Uncertain significance for Hereditary cancer-predisposing syndrome. Last evaluated: 2026-02-20. Review status: criteria provided, single submitter. Criteria: Ambry Variant Classification Scheme 2023. Collection method: clinical testing. Allele origin: germline.
Comment: The p.F636L variant (also known as c.1906T>C), located in coding exon 19 of the RB1 gene, results from a T to C substitution at nucleotide position 1906. The phenylalanine at codon 636 is replaced by leucine, an amino acid with highly similar properties. This amino acid position is not well conserved in available vertebrate species. In addition, this alteration is predicted to be tolerated by in silico analysis. Based on the available evidence, the clinical significance of this variant remains unclear.

Labcorp Genetics (formerly Invitae), Labcorp
Classification: Uncertain significance for Retinoblastoma. Last evaluated: 2025-06-02. Review status: criteria provided, single submitter. Criteria: Invitae Variant Classification Sherloc (09022015). Collection method: clinical testing. Allele origin: germline.
Comment: This sequence change replaces phenylalanine, which is neutral and non-polar, with leucine, which is neutral and non-polar, at codon 636 of the RB1 protein (p.Phe636Leu). This variant is not present in population databases (gnomAD no frequency). This variant has not been reported in the literature in individuals affected with RB1-related conditions. ClinVar contains an entry for this variant (Variation ID: 2966517). Invitae Evidence Modeling of protein sequence and biophysical properties (such as structural, functional, and spatial information, amino acid conservation, physicochemical variation, residue mobility, and thermodynamic stability) indicates that this missense variant is not expected to disrupt RB1 protein function with a negative predictive value of 80%. In summary, the available evidence is currently insufficient to determine the role of this variant in disease. Therefore, it has been classified as a Variant of Uncertain Significance.

NM_000321.3(RB1):c.1906T>C (p.Phe636Leu)

Gene: RB1 (RB transcriptional corepressor 1; plus strand). Cytogenetic location: 13q14.2.
Variant type: single nucleotide variant.
Coding change: c.1906T>C on transcript NM_000321.3 (MANE Select); coding-DNA position 1906, T replaced by C.
Protein change: p.Phe636Leu; replaces phenylalanine 636 with leucine.
Molecular consequence: missense variant.
Genome position (GRCh38, 1-based): chr13:48,456,295, T>C. VCF-style: chr13-48456295-T-C. GRCh37 (hg19) VCF-style: chr13-49030431-T-C.
Other names: c.1906T>C, p.Phe636Leu (NM_001407165.1); short protein forms F636L.
Identifiers: ClinVar variation 2966517 (VCV002966517.4), dbSNP rs2138331397, ClinGen allele CA388166076.